The following is an entry in ClinVar:

NM_152564.5(VPS13B):c.11393-2A>C

Gene: VPS13B (vacuolar protein sorting 13 homolog B; plus strand). Cytogenetic location: 8q22.2.
Variant type: single nucleotide variant.
Coding change: c.11393-2A>C on transcript NM_152564.5 (MANE Select); the canonical splice acceptor site of the intron before coding-DNA position 11393, A replaced by C.
Molecular consequence: splice acceptor variant.
Genome position (GRCh38, 1-based): chr8:99,870,783, A>C. VCF-style: chr8-99870783-A-C. GRCh37 (hg19) VCF-style: chr8-100883011-A-C.
Other names: c.11468-2A>C (NM_017890.5).
Identifiers: ClinVar variation 449623 (VCV000449623.4), dbSNP rs1554588038, ClinGen allele CA371793529.
Genomic context (GRCh38, chr8:99,870,783, plus strand): 5'-TGCAGCATGAAACTGTTTTCCAGAAAACAAGTAGTAAAACTCCCTTACTTCTCTTACCAC[A>C]GGTATTTTACATGGAGCTGGACTTTCTCAGCTTCCCAAACAGCGCCATCAGCCAAGTGAT-3'

ClinVar aggregate classification (germline): Pathogenic (1 of 4 stars; one submission).

Submission:

GeneDx
Classification: Pathogenic. Last evaluated: 2020-01-28. Review status: criteria provided, single submitter. Criteria: GeneDx Variant Classification Process June 2021. Collection method: clinical testing. Allele origin: germline. Affected: yes.
Comment: Canonical splice site variant in a gene for which loss-of-function is a known mechanism of disease; Not observed in large population cohorts (Lek et al., 2016); Has not been previously published as pathogenic or benign to our knowledge